The following is an entry in ClinVar:

ClinVar aggregate classification (germline): Uncertain significance (1 of 4 stars; one submission).

Submission:

Labcorp Genetics (formerly Invitae), Labcorp
Classification: Uncertain significance. Last evaluated: 2024-06-24. Review status: criteria provided, single submitter. Criteria: Invitae Variant Classification Sherloc (09022015). Collection method: clinical testing. Allele origin: germline.
Comment: This sequence change replaces leucine, which is neutral and non-polar, with proline, which is neutral and non-polar, at codon 559 of the C1S protein (p.Leu559Pro). This variant is not present in population databases (gnomAD no frequency). This variant has not been reported in the literature in individuals affected with C1S-related conditions. Advanced modeling of protein sequence and biophysical properties (such as structural, functional, and spatial information, amino acid conservation, physicochemical variation, residue mobility, and thermodynamic stability) performed at Invitae indicates that this missense variant is not expected to disrupt C1S protein function with a negative predictive value of 80%. In summary, the available evidence is currently insufficient to determine the role of this variant in disease. Therefore, it has been classified as a Variant of Uncertain Significance.

NM_001734.5(C1S):c.1676T>C (p.Leu559Pro)

Gene: C1S (complement C1s; plus strand). Cytogenetic location: 12p13.31.
Variant type: single nucleotide variant.
Coding change: c.1676T>C on transcript NM_001734.5 (MANE Select); coding-DNA position 1676, T replaced by C.
Protein change: p.Leu559Pro; replaces leucine 559 with proline.
Molecular consequence: missense variant.
Genome position (GRCh38, 1-based): chr12:7,070,260, T>C. VCF-style: chr12-7070260-T-C. GRCh37 (hg19) VCF-style: chr12-7177564-T-C.
Other names: c.1175T>C, p.Leu392Pro (NM_001346850.2); c.1676T>C, p.Leu559Pro (NM_201442.4); short protein forms L392P, L559P.
Identifiers: ClinVar variation 2695606 (VCV002695606.3), dbSNP rs1937812141, ClinGen allele CA383706013.